The following is an entry in ClinVar:

NM_004415.4(DSP):c.8440C>A (p.Pro2814Thr)

Gene: DSP (desmoplakin; plus strand). Cytogenetic location: 6p24.3.
Variant type: single nucleotide variant.
Coding change: c.8440C>A on transcript NM_004415.4 (MANE Select); coding-DNA position 8440, C replaced by A.
Protein change: p.Pro2814Thr; replaces proline 2814 with threonine.
Molecular consequence: missense variant.
Genome position (GRCh38, 1-based): chr6:7,585,702, C>A. VCF-style: chr6-7585702-C-A. GRCh37 (hg19) VCF-style: chr6-7585935-C-A.
Other names: c.6643C>A, p.Pro2215Thr (NM_001008844.3); c.7111C>A, p.Pro2371Thr (NM_001319034.2); short protein forms P2371T, P2814T, P2215T.
Identifiers: ClinVar variation 942088 (VCV000942088.12), dbSNP rs1303168294, ClinGen allele CA362695152.
Genomic context (GRCh38, chr6:7,585,702, plus strand): 5'-GTAGAAGATATCACTGGGCTGCGCCTTCTGGAAGCCGCCTCCGTGTCGTCCAAGGGCTTA[C>A]CCAGCCCTTACAACATGTCTTCGGCTCCGGGGTCCCGCTCCGGCTCCCGCTCGGGATCTC-3'
Protein context (NP_004406.2, residues 2804-2824): EAASVSSKGL[Pro2814Thr]SPYNMSSAPG

ClinVar aggregate classification (germline): Uncertain significance. Review status: criteria provided, multiple submitters, no conflicts (2 of 4 stars). 2 submissions from 2 submitters: Uncertain significance (2). Last evaluated 2025-08-06.

Conditions:
Arrhythmogenic right ventricular dysplasia 8 (ARVD8). Also called: Arrhythmogenic Right Ventricular Dysplasia/Cardiomyopathy 8; ARRHYTHMOGENIC RIGHT VENTRICULAR DYSPLASIA, FAMILIAL, 8; ARRHYTHMOGENIC RIGHT VENTRICULAR CARDIOMYOPATHY 8. Identifiers: MedGen C1843896, MONDO:0011831, OMIM 607450.
Arrhythmogenic cardiomyopathy with wooly hair and keratoderma. Also called: Carvajal syndrome; PALMOPLANTAR KERATODERMA WITH LEFT VENTRICULAR CARDIOMYOPATHY AND WOOLLY HAIR; Dilated cardiomyopathy with woolly hair and keratoderma; Arrhythmogenic cardiomyopathy with woolly hair and keratoderma. Identifiers: Orphanet 65282, MedGen C1854063, MONDO:0011581, OMIM 605676.
Cardiovascular phenotype. Identifiers: MedGen CN230736.

Allele frequency attached by ClinVar (database versions not stated): gnomAD exomes below 0.00001.

Submissions (2):

Labcorp Genetics (formerly Invitae), Labcorp
Classification: Uncertain significance for Arrhythmogenic cardiomyopathy with wooly hair and keratoderma; Arrhythmogenic right ventricular dysplasia 8. Last evaluated: 2025-08-06. Review status: criteria provided, single submitter. Criteria: Invitae Variant Classification Sherloc (09022015). Collection method: clinical testing. Allele origin: germline.
Comment: This sequence change replaces proline, which is neutral and non-polar, with threonine, which is neutral and polar, at codon 2814 of the DSP protein (p.Pro2814Thr). This variant is not present in population databases (gnomAD no frequency). This variant has not been reported in the literature in individuals affected with DSP-related conditions. ClinVar contains an entry for this variant (Variation ID: 942088). An algorithm developed to predict the effect of missense changes on protein structure and function (PolyPhen-2) suggests that this variant is likely to be tolerated. In summary, the available evidence is currently insufficient to determine the role of this variant in disease. Therefore, it has been classified as a Variant of Uncertain Significance.

Ambry Genetics
Classification: Uncertain significance for Cardiovascular phenotype. Last evaluated: 2022-06-12. Review status: criteria provided, single submitter. Criteria: Ambry Variant Classification Scheme 2023. Collection method: clinical testing. Allele origin: germline.
Comment: The p.P2814T variant (also known as c.8440C>A), located in coding exon 24 of the DSP gene, results from a C to A substitution at nucleotide position 8440. The proline at codon 2814 is replaced by threonine, an amino acid with highly similar properties. This amino acid position is conserved. In addition, this alteration is predicted to be tolerated by in silico analysis. Since supporting evidence is limited at this time, the clinical significance of this alteration remains unclear.